The following is an entry in ClinVar:

ClinVar aggregate classification (germline): Uncertain significance (1 of 4 stars; one submission).

Conditions:
Werner syndrome (WRN). Identifiers: Orphanet 902, MedGen C0043119, MONDO:0010196, OMIM 277700.

gnomAD v4.1: 1 of 1,614,020 alleles (0.000062%); highest among the groups gnomAD compares: Non-Finnish European, 0.000085%; no homozygotes.

Submission:

Labcorp Genetics (formerly Invitae), Labcorp
Classification: Uncertain significance for Werner syndrome. Last evaluated: 2022-09-07. Review status: criteria provided, single submitter. Criteria: Invitae Variant Classification Sherloc (09022015). Collection method: clinical testing. Allele origin: germline.
Comment: In summary, the available evidence is currently insufficient to determine the role of this variant in disease. Therefore, it has been classified as a Variant of Uncertain Significance. Algorithms developed to predict the effect of missense changes on protein structure and function are either unavailable or do not agree on the potential impact of this missense change (SIFT: "Not Available"; PolyPhen-2: "Benign"; Align-GVGD: "Not Available"). ClinVar contains an entry for this variant (Variation ID: 1056905). This variant has not been reported in the literature in individuals affected with WRN-related conditions. This variant is present in population databases (no rsID available, gnomAD 0.0009%). This sequence change replaces alanine, which is neutral and non-polar, with aspartic acid, which is acidic and polar, at codon 1042 of the WRN protein (p.Ala1042Asp).

NM_000553.6(WRN):c.3125C>A (p.Ala1042Asp)

Gene: WRN (WRN RecQ like helicase; plus strand). Cytogenetic location: 8p12.
Variant type: single nucleotide variant.
Coding change: c.3125C>A on transcript NM_000553.6 (MANE Select); coding-DNA position 3125, C replaced by A.
Protein change: p.Ala1042Asp; replaces alanine 1042 with aspartic acid.
Molecular consequence: missense variant.
Genome position (GRCh38, 1-based): chr8:31,141,587, C>A. VCF-style: chr8-31141587-C-A. GRCh37 (hg19) VCF-style: chr8-30999103-C-A.
Other names: short protein forms A1042D.
Identifiers: ClinVar variation 1056905 (VCV001056905.5), dbSNP rs759240091, ClinGen allele CA370922587.
Genomic context (GRCh38, chr8:31,141,587, plus strand): 5'-TGATCACTGAGGGATTCTTGGTAGAAGTTTCTCGGTATAACAAATTTATGAAGATTTGCG[C>A]CCTTACGAAAAAGGTAAACGGTGTAGGAGTCTGCCTGTTTGACTTAATTTTGTTTCCCAC-3'
Protein context (NP_000544.2, residues 1032-1052): SRYNKFMKIC[Ala1042Asp]LTKKGRNWLH